The following is an entry in ClinVar:

ClinVar aggregate classification (germline): Pathogenic. Review status: reviewed by expert panel (3 of 4 stars). 16 submissions from 16 submitters: Pathogenic (1). 15 of the submissions do not count toward it. Last evaluated 2016-09-08.

Conditions:
Inherited ovarian cancer (without breast cancer).
Hereditary cancer-predisposing syndrome. Also called: Hereditary Cancer Syndrome; Hereditary neoplastic syndrome; Neoplastic Syndromes, Hereditary; Tumor predisposition. Identifiers: Orphanet 140162, MedGen C0027672, MeSH D009386, MONDO:0015356.
Breast-ovarian cancer, familial, susceptibility to, 1 (BROVCA1). Also called: BRCA1 Hereditary Breast and Ovarian Cancer; OVARIAN CANCER, SUSCEPTIBILITY TO. Identifiers: Orphanet 145, MedGen C2676676, MONDO:0011450, OMIM 604370. Disease mechanism: loss of function.
Hereditary breast ovarian cancer syndrome. Also called: BRCA1- and BRCA2-Associated Hereditary Breast and Ovarian Cancer; Hereditary breast and ovarian cancer syndrome; Hereditary breast and ovarian cancer syndrome (HBOC); Breast and ovarian cancer; Hereditary breast and/or ovarian cancer syndrome; Hereditary breast and ovarian cancer. Identifiers: Orphanet 145, MedGen C0677776, MeSH D061325, MONDO:0003582. Disease mechanism: loss of function.

Allele frequency attached by ClinVar (database versions not stated): ExAC 0.00001; gnomAD exomes below 0.00001.
gnomAD v4.1: 1 of 1,613,292 alleles (0.000062%); highest among the groups gnomAD compares: Non-Finnish European, 0.000085%; no homozygotes.

Submissions (16):

Evidence-based Network for the Interpretation of Germline Mutant Alleles (ENIGMA)
Classification: Pathogenic for Breast-ovarian cancer, familial, susceptibility to, 1. Last evaluated: 2016-09-08. Review status: reviewed by expert panel. Criteria: ENIGMA BRCA1/2 Classification Criteria (2015). Collection method: curation. Allele origin: germline.
Comment: Variant allele predicted to encode a truncated non-functional protein.

Genetics Laboratory, Great Ormond Street Hospital NHS Foundation Trust, North Thames Genomic Laboratory Hub
Classification: Pathogenic for Inherited ovarian cancer (without breast cancer). Last evaluated: 2026-07-07. Review status: criteria provided, single submitter. Criteria: CanVIG BRCA Gene Specific V1.22. Collection method: clinical testing. Allele origin: germline. Affected: yes. Not counted in ClinVar's aggregate classification.
Comment: PS4_supporting, PM2_supporting, PVS1_very-strong, PM5_supporting

Ambry Genetics
Classification: Pathogenic for Hereditary cancer-predisposing syndrome. Last evaluated: 2024-05-28. Review status: criteria provided, single submitter. Criteria: Ambry Variant Classification Scheme 2023. Collection method: clinical testing. Allele origin: germline. Not counted in ClinVar's aggregate classification.
Comment: The p.Q172* pathogenic mutation (also known as c.514C>T), located in coding exon 6 of the BRCA1 gene, results from a C to T substitution at nucleotide position 514. This changes the amino acid from a glutamine to a stop codon within coding exon 6. This alteration is expected to result in loss of function by premature protein truncation or nonsense-mediated mRNA decay. As such, this alteration is interpreted as a disease-causing mutation.

Unidad Asesoramiento Genetico Oncologico Falp, Instituto Oncologico Fundacion Arturo Lopez Perez
Classification: Pathogenic for Breast-ovarian cancer, familial, susceptibility to, 1. Last evaluated: 2023-08-01. Review status: criteria provided, single submitter. Criteria: ACMG Guidelines, 2015. Collection method: clinical testing. Allele origin: unknown. Affected: yes. Not counted in ClinVar's aggregate classification.

Clinical Genetics Laboratory, Skane University Hospital Lund
Classification: Pathogenic. Last evaluated: 2023-04-11. Review status: criteria provided, single submitter. Criteria: ACMG Guidelines, 2015. Collection method: clinical testing. Allele origin: germline. Affected: yes. Not counted in ClinVar's aggregate classification.

Labcorp Genetics (formerly Invitae), Labcorp
Classification: Pathogenic for Hereditary breast ovarian cancer syndrome. Last evaluated: 2021-03-29. Review status: criteria provided, single submitter. Criteria: Invitae Variant Classification Sherloc (09022015). Collection method: clinical testing. Allele origin: germline. Not counted in ClinVar's aggregate classification.
Comment: This variant is present in population databases (rs80356947, ExAC 0.001%). This sequence change creates a premature translational stop signal (p.Gln172*) in the BRCA1 gene. It is expected to result in an absent or disrupted protein product. Loss-of-function variants in BRCA1 are known to be pathogenic (PMID: 20104584). This variant has been observed in individual(s) with a personal and/or family history of breast and/or ovarian cancer (PMID: 10874312, 29446198, 29339979). ClinVar contains an entry for this variant (Variation ID: 55420). For these reasons, this variant has been classified as Pathogenic.

Bioinformatics dept., Datar Cancer Genetics Limited, India
Classification: Pathogenic for Breast-ovarian cancer, familial, susceptibility to, 1. Last evaluated: 2017-07-21. Review status: criteria provided, single submitter. Criteria: ACMG Guidelines, 2015. Collection method: clinical testing. Allele origin: germline. Inheritance: Autosomal dominant inheritance. Affected: yes. Observed: 1 variant allele, 1 heterozygote. Not counted in ClinVar's aggregate classification.

Clinical Genetics and Genomics, Karolinska University Hospital
Classification: Pathogenic. Last evaluated: 2016-10-07. Review status: criteria provided, single submitter. Criteria: ACMG Guidelines, 2015. Collection method: clinical testing. Allele origin: germline. Affected: yes. Observed: 1 variant allele. Not counted in ClinVar's aggregate classification.

Consortium of Investigators of Modifiers of BRCA1/2 (CIMBA), c/o University of Cambridge
Classification: Pathogenic for Breast-ovarian cancer, familial, susceptibility to, 1. Last evaluated: 2015-10-02. Review status: criteria provided, single submitter. Criteria: CIMBA Mutation Classification guidelines May 2016. Collection method: clinical testing. Allele origin: germline. Not counted in ClinVar's aggregate classification.

Department of Medical Genetics, Oslo University Hospital
Classification: Pathogenic for Breast-ovarian cancer, familial, susceptibility to, 1. Last evaluated: 2015-07-01. Review status: criteria provided, single submitter. Criteria: ACMG Guidelines, 2015. Collection method: clinical testing. Allele origin: germline. Affected: yes. Observed: 1 variant allele. Not counted in ClinVar's aggregate classification.

BRCAlab, Lund University
Classification: Pathogenic for Breast-ovarian cancer, familial, susceptibility to, 1. Last evaluated: 2022-08-26. Review status: no assertion criteria provided. Collection method: clinical testing. Allele origin: germline. Affected: yes. Not counted in ClinVar's aggregate classification.

Research Molecular Genetics Laboratory, Women's College Hospital, University of Toronto
Classification: Pathogenic for Hereditary breast ovarian cancer syndrome. Last evaluated: 2014-01-31. Review status: no assertion criteria provided. Collection method: research. Allele origin: germline. Affected: yes. Study: The Canadian Open Genetics Repository (COGR). Not counted in ClinVar's aggregate classification.

Breast Cancer Information Core (BIC) (BRCA1)
Classification: Pathogenic for Breast-ovarian cancer, familial 1. Last evaluated: 2013-03-25. Review status: no assertion criteria provided. Collection method: clinical testing. Allele origin: germline. Affected: yes. Observed: 2 variant alleles. Not counted in ClinVar's aggregate classification.

Sharing Clinical Reports Project (SCRP)
Classification: Pathogenic for Breast-ovarian cancer, familial 1. Last evaluated: 2012-01-06. Review status: no assertion criteria provided. Collection method: clinical testing. Allele origin: germline. Not counted in ClinVar's aggregate classification.

Diagnostic Laboratory, Department of Genetics, University Medical Center Groningen
Classification: Pathogenic. Review status: no assertion criteria provided. Collection method: clinical testing. Allele origin: germline. Affected: yes. Study: VKGL Data-share Consensus. Not counted in ClinVar's aggregate classification.

Joint Genome Diagnostic Labs from Nijmegen and Maastricht, Radboudumc and MUMC+
Classification: Pathogenic. Review status: no assertion criteria provided. Collection method: clinical testing. Allele origin: germline. Affected: yes. Study: VKGL Data-share Consensus. Not counted in ClinVar's aggregate classification.

Literature cited by the submitters: PubMed 20104584 (cited by Labcorp Genetics (formerly Invitae), Labcorp); PubMed 10874312 (cited by Labcorp Genetics (formerly Invitae), Labcorp and Bioinformatics dept., Datar Cancer Genetics Limited, India); PubMed 29446198 (cited by Labcorp Genetics (formerly Invitae), Labcorp); PubMed 29339979 (cited by Labcorp Genetics (formerly Invitae), Labcorp); PubMed 7493024 (cited by Bioinformatics dept., Datar Cancer Genetics Limited, India).

NM_007294.4(BRCA1):c.514C>T (p.Gln172Ter)

Gene: BRCA1 (BRCA1 DNA repair associated; minus strand). Cytogenetic location: 17q21.31.
Variant type: single nucleotide variant.
Coding change: c.514C>T on transcript NM_007294.4 (MANE Select); coding-DNA position 514, C replaced by T.
Protein change: p.Gln172Ter; replaces glutamine 172 with a stop codon.
Molecular consequence: nonsense. On other transcripts: non-coding transcript variant (1).
Genome position (GRCh38, 1-based): chr17:43,099,808, G>A on the plus strand (C>T on the coding strand, the complement: BRCA1 is on the minus strand). VCF-style: chr17-43099808-G-A. GRCh37 (hg19) VCF-style: chr17-41251825-G-A.
Other names: 633C>T; c.511C>T, p.Gln171Ter (NM_001408431.1, NM_001408432.1, NM_001408433.1 and 65 more transcripts); c.514C>T, p.Gln172Ter (NM_001408436.1, NM_001408437.1, NM_001408438.1 and 97 more transcripts); c.379C>T, p.Gln127Ter (NM_001408451.1); c.373C>T, p.Gln125Ter (NM_001408452.1, NM_001408453.1, NM_001408454.1 and 61 more transcripts); c.370C>T, p.Gln124Ter (NM_001408462.1, NM_001408463.1, NM_001408464.1 and 35 more transcripts); c.436C>T, p.Gln146Ter (NM_001408474.1, NM_001408476.1, NM_001407653.1 and 12 more transcripts); c.433C>T, p.Gln145Ter (NM_001408475.1, NM_001407659.1, NM_001407660.1 and 6 more transcripts); and 5 more; short protein forms Q172*, Q125*, Q146*, Q44*, Q45*, Q145*, Q171*, Q101*.
Identifiers: ClinVar variation 55420 (VCV000055420.43), dbSNP rs80356947, ClinGen allele CA003273.